The following is an entry in ClinVar:

ClinVar aggregate classification (germline): Uncertain significance. Review status: criteria provided, multiple submitters, no conflicts (2 of 4 stars). 7 submissions from 7 submitters: Uncertain significance (6). 1 of the submissions does not count toward it. Last evaluated 2024-08-05.

Conditions:
Hereditary cancer-predisposing syndrome. Also called: Tumor predisposition; Hereditary Cancer Syndrome; Neoplastic Syndromes, Hereditary; Hereditary neoplastic syndrome. Identifiers: Orphanet 140162, MedGen C0027672, MeSH D009386, MONDO:0015356.
Microcephaly, normal intelligence and immunodeficiency (NBS). Also called: IMMUNODEFICIENCY, MICROCEPHALY, AND CHROMOSOMAL INSTABILITY; SEEMANOVA SYNDROME II; Nijmegen breakage syndrome; Microcephaly with normal intelligence immunodeficiency and lymphoreticular malignancies; Nonsyndromal microcephaly autosomal recessive with normal intelligence; Seemanova syndrome 2. Identifiers: Orphanet 647, MedGen C0398791, MONDO:0009623, OMIM 251260.
Aplastic anemia. Identifiers: Orphanet 182040, Orphanet 88, MedGen C0002874, MONDO:0015909, OMIM 609135, HP:0001915.

gnomAD v4.1: 1 of 1,609,718 alleles (0.000062%); no homozygotes.

Submissions (7):

Labcorp Genetics (formerly Invitae), Labcorp
Classification: Uncertain significance for Microcephaly, normal intelligence and immunodeficiency. Last evaluated: 2024-08-05. Review status: criteria provided, single submitter. Criteria: Invitae Variant Classification Sherloc (09022015). Collection method: clinical testing. Allele origin: germline.
Comment: This sequence change replaces glutamic acid, which is acidic and polar, with lysine, which is basic and polar, at codon 309 of the NBN protein (p.Glu309Lys). This variant is not present in population databases (gnomAD no frequency). This variant has not been reported in the literature in individuals affected with NBN-related conditions. ClinVar contains an entry for this variant (Variation ID: 127881). An algorithm developed to predict the effect of missense changes on protein structure and function (PolyPhen-2) suggests that this variant is likely to be disruptive. In summary, the available evidence is currently insufficient to determine the role of this variant in disease. Therefore, it has been classified as a Variant of Uncertain Significance.

Ambry Genetics
Classification: Uncertain significance for Hereditary cancer-predisposing syndrome. Last evaluated: 2023-11-08. Review status: criteria provided, single submitter. Criteria: Ambry Variant Classification Scheme 2023. Collection method: clinical testing. Allele origin: germline.
Comment: The p.E309K variant (also known as c.925G>A), located in coding exon 8 of the NBN gene, results from a G to A substitution at nucleotide position 925. The glutamic acid at codon 309 is replaced by lysine, an amino acid with similar properties. This amino acid position is highly conserved in available vertebrate species. In addition, this alteration is predicted to be deleterious by in silico analysis. Since supporting evidence is limited at this time, the clinical significance of this alteration remains unclear.

Baylor Genetics
Classification: Uncertain significance for Aplastic anemia. Last evaluated: 2023-09-04. Review status: criteria provided, single submitter. Criteria: ACMG Guidelines, 2015. Collection method: clinical testing. Allele origin: unknown.

Genome-Nilou Lab
Classification: Uncertain significance for Microcephaly, normal intelligence and immunodeficiency. Last evaluated: 2021-11-07. Review status: criteria provided, single submitter. Criteria: ACMG Guidelines, 2015. Collection method: clinical testing. Allele origin: germline. Affected: no.

GeneDx
Classification: Uncertain significance. Last evaluated: 2017-11-09. Review status: criteria provided, single submitter. Criteria: GeneDx Variant Classification (06012015). Collection method: clinical testing. Allele origin: germline. Affected: yes.
Comment: This variant is denoted NBN c.925G>A at the cDNA level, p.Glu309Lys (E309K) at the protein level, and results in the change of a Glutamic Acid to a Lysine (GAA>AAA). This variant has not, to our knowledge, been published in the literature as pathogenic or benign. NBN Glu309Lys was not observed in large population cohorts (Lek 2016). Since Glutamic Acid and Lysine differ in polarity, charge, size or other properties, this is considered a non-conservative amino acid substitution. NBN Glu309Lys is located in the BRCT2 domain (Damiola 2014). In-silico analyses, including protein predictors and evolutionary conservation, support a deleterious effect. Based on currently available evidence, it is unclear whether NBN Glu309Lys is a pathogenic or benign variant. We consider it to be a variant of uncertain significance.

Women's Health and Genetics/Laboratory Corporation of America, LabCorp
Classification: Uncertain significance. Last evaluated: 2017-02-23. Review status: criteria provided, single submitter. Criteria: LabCorp Variant Classification Summary - May 2015. Collection method: clinical testing. Allele origin: germline.
Comment: Variant summary: The NBN c.925G>A (p.Glu309Lys) variant involves the alteration of a conserved nucleotide. 3/4 in silico tools predict a damaging outcome for this variant (SNPs&GO not captured due to low reliability index). This variant is absent in 121330 control chromosomes. In addition, multiple clinical diagnostic laboratories/reputable databases classified this variant as uncertain significance. The variant of interest has not, to our knowledge, been reported in affected individuals via publications nor evaluated for functional impact by in vivo/vitro studies. Because of the absence of clinical information and the lack of functional studies, the variant is classified as a variant of uncertain significance (VUS) until additional information becomes available.

Natera, Inc.
Classification: Uncertain significance for Nijmegen breakage syndrome. Last evaluated: 2020-12-27. Review status: no assertion criteria provided. Collection method: clinical testing. Allele origin: germline. Not counted in ClinVar's aggregate classification.

NM_002485.5(NBN):c.925G>A (p.Glu309Lys)

Gene: NBN (nibrin; minus strand). Cytogenetic location: 8q21.3.
Variant type: single nucleotide variant.
Coding change: c.925G>A on transcript NM_002485.5 (MANE Select); coding-DNA position 925, G replaced by A.
Protein change: p.Glu309Lys; replaces glutamic acid 309 with lysine.
Molecular consequence: missense variant.
Genome position (GRCh38, 1-based): chr8:89,964,479, C>T on the plus strand (G>A on the coding strand, the complement: NBN is on the minus strand). VCF-style: chr8-89964479-C-T. GRCh37 (hg19) VCF-style: chr8-90976707-C-T.
Other names: p.E309K:GAA>AAA; c.679G>A, p.Glu227Lys (NM_001024688.3); short protein forms E309K, E227K.
Identifiers: ClinVar variation 127881 (VCV000127881.26), dbSNP rs587780101, ClinGen allele CA287953.